The following is an entry in ClinVar:

ClinVar aggregate classification (germline): Uncertain significance (1 of 4 stars; one submission).

Conditions:
Cutis laxa, X-linked (OHS). Also called: EDS IX; Occipital horn syndrome. Identifiers: Orphanet 198, MedGen C0268353, MONDO:0010572, OMIM 304150.
X-linked distal spinal muscular atrophy type 3. Also called: ATP7A-Related Distal Motor Neuropathy; SPINAL MUSCULAR ATROPHY, DISTAL, X-LINKED RECESSIVE; NEUROPATHY, DISTAL HEREDITARY MOTOR, X-LINKED; NEURONOPATHY, DISTAL HEREDITARY MOTOR, X-LINKED. Identifiers: Orphanet 139557, MedGen C1845359, MONDO:0010338, OMIM 300489.
Menkes kinky-hair syndrome (MNK). Also called: Classic Menkes Disease; Copper transport disease; Menkes Disease. Identifiers: Orphanet 565, MedGen C0022716, MONDO:0010651, OMIM 309400.

Submission:

Labcorp Genetics (formerly Invitae), Labcorp
Classification: Uncertain significance for X-linked distal spinal muscular atrophy type 3; Cutis laxa, X-linked; Menkes kinky-hair syndrome. Last evaluated: 2022-07-12. Review status: criteria provided, single submitter. Criteria: Invitae Variant Classification Sherloc (09022015). Collection method: clinical testing. Allele origin: germline.
Comment: This sequence change replaces leucine, which is neutral and non-polar, with isoleucine, which is neutral and non-polar, at codon 1409 of the ATP7A protein (p.Leu1409Ile). This variant is not present in population databases (gnomAD no frequency). This variant has not been reported in the literature in individuals affected with ATP7A-related conditions. ClinVar contains an entry for this variant (Variation ID: 1391215). Algorithms developed to predict the effect of missense changes on protein structure and function (SIFT, PolyPhen-2, Align-GVGD) all suggest that this variant is likely to be tolerated. In summary, the available evidence is currently insufficient to determine the role of this variant in disease. Therefore, it has been classified as a Variant of Uncertain Significance.

NM_000052.7(ATP7A):c.4225C>A (p.Leu1409Ile)

Gene: ATP7A (ATPase copper transporting alpha; plus strand). Cytogenetic location: Xq21.1.
Variant type: single nucleotide variant.
Coding change: c.4225C>A on transcript NM_000052.7 (MANE Select); coding-DNA position 4225, C replaced by A.
Protein change: p.Leu1409Ile; replaces leucine 1409 with isoleucine.
Molecular consequence: missense variant. On other transcripts: non-coding transcript variant (1).
Genome position (GRCh38, 1-based): chrX:78,045,571, C>A. VCF-style: chrX-78045571-C-A. GRCh37 (hg19) VCF-style: chrX-77301068-C-A.
Other names: c.3991C>A, p.Leu1331Ile (NM_001282224.2); short protein forms L1331I, L1409I.
Identifiers: ClinVar variation 1391215 (VCV001391215.6), dbSNP rs2149113574, ClinGen allele CA413605943.
Genomic context (GRCh38, chrX:78,045,571, plus strand): 5'-GGATCTGCAGCAATGGCTGCTTCATCTGTTTCTGTAGTACTTTCTTCTCTCTTCCTTAAA[C>A]TGTAAGTATGATAGCTTGCTCACATTTGTATTTTGTATTCCTGTTATCATCTAGTCATTC-3'
Protein context (NP_000043.4, residues 1399-1419): SVVLSSLFLK[Leu1409Ile]YRKPTYESYE